The following is an entry in ClinVar:

NM_005585.5(SMAD6):c.584T>G (p.Val195Gly)

Gene: SMAD6 (SMAD family member 6; plus strand). Cytogenetic location: 15q22.31.
Variant type: single nucleotide variant.
Coding change: c.584T>G on transcript NM_005585.5 (MANE Select); coding-DNA position 584, T replaced by G.
Protein change: p.Val195Gly; replaces valine 195 with glycine.
Molecular consequence: missense variant. On other transcripts: non-coding transcript variant (1).
Genome position (GRCh38, 1-based): chr15:66,703,842, T>G. VCF-style: chr15-66703842-T-G. GRCh37 (hg19) VCF-style: chr15-66996180-T-G.
Other names: c.584T>G (NM_005585.4); short protein forms V195G.
Identifiers: ClinVar variation 1705020 (VCV001705020.2), dbSNP rs868327024, ClinGen allele CA392949840.

ClinVar aggregate classification (germline): Uncertain significance. Review status: criteria provided, single submitter (1 of 4 stars). 2 submissions from 2 submitters: Uncertain significance (1). 1 of the submissions does not count toward it. Last evaluated 2024-12-23.

Conditions:
Craniosynostosis 7 (CRS7). Also called: CRANIOSYNOSTOSIS 7, DIGENIC; CRS7, DIGENIC. Identifiers: MedGen C4479496, MONDO:0044315, OMIM 617439.
SMAD6-related disease. Also called: SMAD6-related disorder; SMAD6-related condition. Identifiers: MedGen CN381596, MONDO:0700324.

Allele frequency attached by ClinVar (database versions not stated): TOPMed below 0.00001; gnomAD 0.00001.
gnomAD v4.1: 2 of 1,383,578 alleles (0.00014%); highest among the groups gnomAD compares: Non-Finnish European, 0.00019%; no homozygotes.

Submissions (2):

PreventionGenetics, part of Exact Sciences
Classification: Uncertain significance for SMAD6-related condition. Last evaluated: 2024-12-23. Review status: criteria provided, single submitter. Criteria: ACMG Guidelines, 2015. Collection method: clinical testing. Allele origin: germline.
Comment: The SMAD6 c.584T>G variant is predicted to result in the amino acid substitution p.Val195Gly. This variant has been reported in the homozygous state in an individual with craniosynostosis and radioulnar synostosis and functional studies found this variant impacted protein function (Luyckx et al. 2024. PubMed ID: 38290823). This variant has not been reported in a large population database (gnomAD), indicating this variant is rare. In ClinVar, this variant has been interpreted as pathogenic; however, no evidence was provided to support pathogenicity. Although we suspect that this variant may be pathogenic, at this time, the clinical significance of this variant is uncertain due to the absence of conclusive functional and genetic evidence.

Centre of Medical Genetics, University of Antwerp
Classification: Pathogenic for Craniosynostosis 7. Last evaluated: 2022-09-12. Review status: no assertion criteria provided. Collection method: research, in vitro. Allele origin: biparental, not applicable. Affected: yes. Observed: 1 variant allele. Not counted in ClinVar's aggregate classification.